The following is an entry in ClinVar:

ClinVar aggregate classification (germline): Pathogenic/Likely pathogenic. Review status: criteria provided, multiple submitters, no conflicts (2 of 4 stars). 5 submissions from 5 submitters: Pathogenic (4); Likely pathogenic (1). Last evaluated 2025-10-31.

Conditions:
CACNA1A-related disorder. Also called: CACNA1A-related condition.
Developmental and epileptic encephalopathy, 42 (DEE42A). Also called: DEVELOPMENTAL AND EPILEPTIC ENCEPHALOPATHY 42A; EPILEPTIC ENCEPHALOPATHY, EARLY INFANTILE, 42A; Epileptic encephalopathy, early infantile, 42. Identifiers: MedGen C4310716, MONDO:0014917, OMIM 617106.
Episodic ataxia type 2 (EA2). Also called: ATAXIA, EPISODIC, WITH NYSTAGMUS; ATAXIA, FAMILIAL PAROXYSMAL; CEREBELLAR ATAXIA, PAROXYSMAL, ACETAZOLAMIDE-RESPONSIVE; CEREBELLOPATHY, HEREDITARY PAROXYSMAL; EPISODIC ATAXIA, NYSTAGMUS-ASSOCIATED; ACETAZOLAMIDE-RESPONSIVE HEREDITARY PAROXYSMAL CEREBELLAR ATAXIA. Identifiers: Orphanet 97, MedGen C1720416, MONDO:0007163, OMIM 108500.
Autosomal dominant CACNA1A-related disorders.

Allele frequency attached by ClinVar (database versions not stated): gnomAD exomes below 0.00001.
gnomAD v4.1: 1 of 1,600,998 alleles (0.000062%); highest among the groups gnomAD compares: Non-Finnish European, 0.000085%; no homozygotes.

Submissions (5):

Variantyx, Inc.
Classification: Likely pathogenic for Autosomal dominant CACNA1A-related disorders. Last evaluated: 2025-10-31. Review status: criteria provided, single submitter. Criteria: Variantyx Assertion Criteria 2022. Collection method: clinical testing. Allele origin: de novo. Inheritance: Autosomal dominant inheritance. Affected: yes.
Comment: This is a nonsynonymous variant in the CACNA1A gene (OMIM: 601011). Pathogenic variants in this gene have been associated with autosomal dominant CACNA1A-related disorders, including autosomal dominant episodic ataxia type 2 and autosomal dominant developmental and epileptic encephalopathy 42. Multiple computational algorithms predict a deleterious effect for this variant (REVEL score: 0.953) (PP3). The vmaximum allele frequency in non-founder control populations is 0.0001% (PM2). Based on the current evidence, this variant is classified as likely pathogenic for autosomal dominant CACNA1A-related disorders.

Athena Diagnostics
Classification: Pathogenic. Last evaluated: 2024-12-23. Review status: criteria provided, single submitter. Criteria: Athena Diagnostics Criteria. Collection method: clinical testing. Allele origin: unknown.
Comment: This variant has not been reported in large, multi-ethnic general populations. This variant has been identified in multiple unrelated individuals with clinical features associated with a CACNA1A-related disorder including individuals where it appears to occur de novo. Polyphen and MutationTaster predict this amino acid change may be damaging to the protein.

Labcorp Genetics (formerly Invitae), Labcorp
Classification: Pathogenic for Developmental and epileptic encephalopathy, 42; Episodic ataxia type 2. Last evaluated: 2024-08-06. Review status: criteria provided, single submitter. Criteria: Invitae Variant Classification Sherloc (09022015). Collection method: clinical testing. Allele origin: germline.
Comment: This sequence change replaces glycine, which is neutral and non-polar, with arginine, which is basic and polar, at codon 297 of the CACNA1A protein (p.Gly297Arg). This variant is not present in population databases (gnomAD no frequency). This missense change has been observed in individual(s) with episodic ataxia (PMID: 26814174, 28431595, 30891074). In at least one individual the variant was observed to be de novo. It has also been observed to segregate with disease in related individuals. ClinVar contains an entry for this variant (Variation ID: 566307). Advanced modeling of protein sequence and biophysical properties (such as structural, functional, and spatial information, amino acid conservation, physicochemical variation, residue mobility, and thermodynamic stability) performed at Invitae indicates that this missense variant is expected to disrupt CACNA1A protein function with a positive predictive value of 95%. For these reasons, this variant has been classified as Pathogenic.

Blueprint Genetics
Classification: Pathogenic for CACNA1A-related disorders. Last evaluated: 2024-05-07. Review status: criteria provided, single submitter. Criteria: ACMG Guidelines, 2015. Collection method: clinical testing. Allele origin: germline. Affected: yes. Observed: 1 variant allele.

GeneDx
Classification: Pathogenic. Last evaluated: 2022-04-27. Review status: criteria provided, single submitter. Criteria: GeneDx Variant Classification Process June 2021. Collection method: clinical testing. Allele origin: germline. Affected: yes.
Comment: In silico analysis supports that this missense variant has a deleterious effect on protein structure/function; Not observed at significant frequency in large population cohorts (gnomAD); This variant is associated with the following publications: (PMID: 26814174, 29482223, 28431595, 30891074, 32116539, 32899500, 34507393, 34263451)

Literature cited by the submitters: PubMed 29482223 (cited by Variantyx, Inc. and Athena Diagnostics); PubMed 28431595 (cited by 3 submitters); PubMed 34263451 (cited by Variantyx, Inc. and Athena Diagnostics); PubMed 30891074 (cited by 3 submitters); PubMed 26814174 (cited by Athena Diagnostics and Labcorp Genetics (formerly Invitae), Labcorp); PubMed 33057194 (cited by Athena Diagnostics); PubMed 35982159 (cited by Athena Diagnostics); PubMed 27965395 (cited by Athena Diagnostics).

NM_001127222.2(CACNA1A):c.889G>A (p.Gly297Arg)

Gene: CACNA1A (calcium voltage-gated channel subunit alpha1 A; minus strand). Cytogenetic location: 19p13.13.
Variant type: single nucleotide variant.
Coding change: c.889G>A on transcript NM_001127222.2 (MANE Select); coding-DNA position 889, G replaced by A.
Protein change: p.Gly297Arg; replaces glycine 297 with arginine.
Molecular consequence: missense variant.
Genome position (GRCh38, 1-based): chr19:13,359,695, C>T on the plus strand (G>A on the coding strand, the complement: CACNA1A is on the minus strand). VCF-style: chr19-13359695-C-T. GRCh37 (hg19) VCF-style: chr19-13470509-C-T.
Other names: c.889G>A, p.Gly297Arg (NM_000068.4, NM_001127221.2, NM_001174080.2 and 1 more transcripts); short protein forms G297R.
Identifiers: ClinVar variation 566307 (VCV000566307.17), dbSNP rs1168625480, ClinGen allele CA404347198.